The following is an entry in ClinVar:

ClinVar aggregate classification (germline): Pathogenic (1 of 4 stars; one submission).

Conditions:
Primary ciliary dyskinesia 3. Identifiers: Orphanet 244, MedGen C1837618, MONDO:0012085, OMIM 608644.

Submission:

Myriad Genetics, Inc.
Classification: Pathogenic for Primary ciliary dyskinesia 3. Last evaluated: 2024-05-14. Review status: criteria provided, single submitter. Criteria: Myriad Autosomal Dominant, Autosomal Recessive and X-Linked Classification Criteria (2023). Collection method: clinical testing. Allele origin: unknown.
Comment: NM_001369.2(DNAH5):c.11174_11175ins7(D3725Efs*41) is expected to be pathogenic in the context of primary ciliary dyskinesia, DNAH5-related. This variant is predicted to lead to an abnormal or absent protein product due to the creation of a premature termination codon in DNAH5, a gene where loss-of-function variants are known to be pathogenic. Please note: this variant was assessed in the context of healthy population screening.

NM_001369.3(DNAH5):c.11174_11175insGACAGTA (p.Asp3725fs)

Gene: DNAH5 (dynein axonemal heavy chain 5; minus strand). Cytogenetic location: 5p15.2.
Variant type: Insertion.
Coding change: c.11174_11175insGACAGTA on transcript NM_001369.3 (MANE Select); coding-DNA positions 11174 to 11175, GACAGTA inserted.
Protein change: p.Asp3725fs; shifts the reading frame from aspartic acid 3725.
Molecular consequence: frameshift variant.
Genome position: GRCh38 VCF-style: chr5-13751114-A-ATACTGTC. GRCh37 (hg19) VCF-style: chr5-13751223-A-ATACTGTC.
Other names: short protein forms D3725fs.
Identifiers: ClinVar variation 5010800 (VCV005010800.1).